The following is an entry in ClinVar:

ClinVar aggregate classification (germline): Likely pathogenic (1 of 4 stars; one submission).

Conditions:
Mitochondrial complex I deficiency, nuclear type 6. Also called: Mitochondrial complex 1 deficiency, nuclear type 6. Identifiers: MedGen C4748759, MONDO:0032611, OMIM 618228.
Leber-like hereditary optic neuropathy, autosomal recessive 2. Also called: Leber hereditary optic neuropathy, autosomal recessive 2. Identifiers: MedGen C5882713, MONDO:0958197, OMIM 620569.

Submission:

Juno Genomics, Hangzhou Juno Genomics, Inc
Classification: Likely pathogenic for Leber-like hereditary optic neuropathy, autosomal recessive 2; Mitochondrial complex I deficiency, nuclear type 6. Review status: criteria provided, single submitter. Criteria: ACMG Guidelines, 2015. Collection method: clinical testing. Allele origin: germline.
Comment: Null variant in a gene where loss of function (LOF) is a known mechanism of disease.;Absent from controls (or at extremely low frequency if recessive) in Genome Aggregation Database.

NM_001377299.1(NDUFS2):c.423T>A (p.Tyr141Ter)

Gene: NDUFS2 (NADH:ubiquinone oxidoreductase core subunit S2; plus strand). Cytogenetic location: 1q23.3.
Variant type: single nucleotide variant.
Coding change: c.423T>A on transcript NM_001377299.1 (MANE Select); coding-DNA position 423, T replaced by A.
Protein change: p.Tyr141Ter; replaces tyrosine 141 with a stop codon.
Molecular consequence: nonsense. On other transcripts: non-coding transcript variant (1).
Genome position (GRCh38, 1-based): chr1:161,209,222, T>A. VCF-style: chr1-161209222-T-A. GRCh37 (hg19) VCF-style: chr1-161179012-T-A.
Other names: c.423T>A, p.Tyr141Ter (NM_001166159.2, NM_001377298.1, NM_001377300.1 and 4 more transcripts); short protein forms Y141*.
Identifiers: ClinVar variation 5005118 (VCV005005118.2).